The following is an entry in ClinVar:

ClinVar aggregate classification (germline): Uncertain significance. Review status: criteria provided, multiple submitters, no conflicts (2 of 4 stars). 3 submissions from 3 submitters: Uncertain significance (3). Last evaluated 2024-05-16.

Conditions:
Autosomal recessive ataxia, Beauce type. Also called: Spinocerebellar ataxia, autosomal recessive 8; ATAXIA, RECESSIVE, OF BEAUCE; SYNE1 Deficiency; SYNE1-Related Autosomal Recessive Cerebellar Ataxia. Identifiers: Orphanet 88644, MedGen C1853116, MONDO:0012549, OMIM 610743.
Emery-Dreifuss muscular dystrophy 4, autosomal dominant (EDMD4). Also called: EMERY-DREIFUSS MUSCULAR DYSTROPHY 4 WITH VARIABLE FEATURES. Identifiers: Orphanet 261, MedGen C2751807, MONDO:0013071, OMIM 612998.

Allele frequency attached by ClinVar (database versions not stated): ExAC 0.00001; gnomAD 0.00001; gnomAD exomes 0.00001 and 0.00002; TOPMed 0.00002.
gnomAD v4.1: 17 of 1,613,848 alleles (0.0011%); highest among the groups gnomAD compares: Admixed American, 0.0067%; no homozygotes.

Submissions (3):

Athena Diagnostics
Classification: Uncertain significance. Last evaluated: 2024-05-16. Review status: criteria provided, single submitter. Criteria: Athena Diagnostics Criteria. Collection method: clinical testing. Allele origin: unknown.
Comment: Available data are insufficient to determine the clinical significance of the variant at this time. The frequency of this variant in the general population is uninformative in assessment of its pathogenicity. Computational tools yielded predictions that this variant may result in the gain of a cryptic splice site without affecting the natural splice sites. Polyphen and MutationTaster predict this amino acid change may be benign.

Labcorp Genetics (formerly Invitae), Labcorp
Classification: Uncertain significance for Emery-Dreifuss muscular dystrophy 4, autosomal dominant; Autosomal recessive ataxia, Beauce type. Last evaluated: 2022-06-13. Review status: criteria provided, single submitter. Criteria: Invitae Variant Classification Sherloc (09022015). Collection method: clinical testing. Allele origin: germline.
Comment: Algorithms developed to predict the effect of sequence changes on RNA splicing suggest that this variant may create or strengthen a splice site. Algorithms developed to predict the effect of missense changes on protein structure and function are either unavailable or do not agree on the potential impact of this missense change (SIFT: "Deleterious"; PolyPhen-2: "Benign"; Align-GVGD: "Class C15"). ClinVar contains an entry for this variant (Variation ID: 287821). This variant has not been reported in the literature in individuals affected with SYNE1-related conditions. This variant is present in population databases (rs763768133, gnomAD 0.009%). This sequence change replaces methionine, which is neutral and non-polar, with valine, which is neutral and non-polar, at codon 7147 of the SYNE1 protein (p.Met7147Val). In summary, the available evidence is currently insufficient to determine the role of this variant in disease. Therefore, it has been classified as a Variant of Uncertain Significance.

Eurofins Ntd Llc (ga)
Classification: Uncertain significance. Last evaluated: 2016-05-26. Review status: criteria provided, single submitter. Criteria: EGL Classification Definitions 2015. Collection method: clinical testing. Allele origin: germline. Observed: 1 variant allele, 1 heterozygote.

NM_182961.4(SYNE1):c.21652A>G (p.Met7218Val)

Genes: SYNE1 (spectrin repeat containing nuclear envelope protein 1; minus strand), LOC126859836 (MED14-independent group 3 enhancer GRCh37_chr6:152542272-152543471; plus strand). Cytogenetic location: 6q25.2.
Variant type: single nucleotide variant.
Coding change: c.21652A>G on transcript NM_182961.4 (MANE Select); coding-DNA position 21652, A replaced by G.
Protein change: p.Met7218Val; replaces methionine 7218 with valine.
Molecular consequence: missense variant.
Genome position (GRCh38, 1-based): chr6:152,221,430, T>C on the plus strand (A>G on the coding strand, the complement: SYNE1 is on the minus strand). VCF-style: chr6-152221430-T-C. GRCh37 (hg19) VCF-style: chr6-152542565-T-C.
Other names: c.21652A>G (NM_182961.2); c.21439A>G, p.Met7147Val (NM_033071.5); short protein forms M7218V, M7147V.
Identifiers: ClinVar variation 287821 (VCV000287821.14), dbSNP rs763768133, ClinGen allele CA4054099.
Genomic context (GRCh38, chr6:152,221,430, plus strand): 5'-ATTATTTATAATAAGGCTGTGATATAAATAGTGTGTAAAGTTAACATACTCCATACCTCA[T>C]GTTGACTTCTTTCAGTGTATTGGTAAGAGTTTCTGTCACGGGTGGGTGACACTCTTTTAA-3'
Protein context (NP_892006.3, residues 7208-7228): TLTNTLKEVN[Met7218Val]RWNNLLEEIA